The following is an entry in ClinVar:

ClinVar aggregate classification (germline): Uncertain significance. Review status: criteria provided, multiple submitters, no conflicts (2 of 4 stars). 2 submissions from 2 submitters: Uncertain significance (2). Last evaluated 2025-09-24.

Conditions:
Inborn genetic diseases. Identifiers: MedGen C0950123, MeSH D030342.

Allele frequency attached by ClinVar (database versions not stated): gnomAD exomes 0.00001; gnomAD 0.00003; TOPMed 0.00003.
gnomAD v4.1: 11 of 1,203,870 alleles (0.00091%); highest among the groups gnomAD compares: Admixed American, 0.0087%; no homozygotes.

Submissions (2):

Labcorp Genetics (formerly Invitae), Labcorp
Classification: Uncertain significance. Last evaluated: 2025-09-24. Review status: criteria provided, single submitter. Criteria: Invitae Variant Classification Sherloc (09022015). Collection method: clinical testing. Allele origin: germline.
Comment: This sequence change replaces methionine, which is neutral and non-polar, with leucine, which is neutral and non-polar, at codon 956 of the POLA1 protein (p.Met956Leu). The frequency data for this variant in the population databases is considered unreliable, as metrics indicate poor data quality at this position in the gnomAD database. This variant has not been reported in the literature in individuals affected with POLA1-related conditions. ClinVar contains an entry for this variant (Variation ID: 2716166). Invitae Evidence Modeling of protein sequence and biophysical properties (such as structural, functional, and spatial information, amino acid conservation, physicochemical variation, residue mobility, and thermodynamic stability) indicates that this missense variant is not expected to disrupt POLA1 protein function with a negative predictive value of 80%. In summary, the available evidence is currently insufficient to determine the role of this variant in disease. Therefore, it has been classified as a Variant of Uncertain Significance.

Ambry Genetics
Classification: Uncertain significance for Inborn genetic diseases. Last evaluated: 2024-09-24. Review status: criteria provided, single submitter. Criteria: Ambry Variant Classification Scheme 2023. Collection method: clinical testing. Allele origin: germline.

NM_001330360.2(POLA1):c.2884A>T (p.Met962Leu)

Gene: POLA1 (DNA polymerase alpha 1, catalytic subunit; plus strand). Cytogenetic location: Xp22.11.
Variant type: single nucleotide variant.
Coding change: c.2884A>T on transcript NM_001330360.2 (MANE Select); coding-DNA position 2884, A replaced by T.
Protein change: p.Met962Leu; replaces methionine 962 with leucine.
Molecular consequence: missense variant. On other transcripts: non-coding transcript variant (2).
Genome position (GRCh38, 1-based): chrX:24,748,912, A>T. VCF-style: chrX-24748912-A-T. GRCh37 (hg19) VCF-style: chrX-24767029-A-T.
Other names: c.2809A>T, p.Met937Leu (NM_001378303.1); c.2866A>T, p.Met956Leu (NM_016937.4); c.2866A>T (NM_016937.3); short protein forms M937L, M956L, M962L.
Identifiers: ClinVar variation 2716166 (VCV002716166.4), dbSNP rs202169782, ClinGen allele CA326922968.